The following is an entry in ClinVar:

ClinVar aggregate classification (germline): Benign (1 of 4 stars; one submission).

Conditions:
PPP1R9B-related disorder. Also called: PPP1R9B-related condition.

Submission:

PreventionGenetics, part of Exact Sciences
Classification: Benign for PPP1R9B-related condition. Last evaluated: 2020-04-16. Review status: criteria provided, single submitter. Criteria: ACMG Guidelines, 2015. Collection method: clinical testing. Allele origin: germline.
Comment: This variant is classified as benign based on ACMG/AMP sequence variant interpretation guidelines (Richards et al. 2015 PMID: 25741868, with internal and published modifications).

NM_032595.5(PPP1R9B):c.490_491insGC (p.Glu164fs)

Gene: PPP1R9B (protein phosphatase 1 regulatory subunit 9B; minus strand). Cytogenetic location: 17q21.33.
Variant type: Insertion.
Coding change: c.490_491insGC on transcript NM_032595.5 (MANE Select); coding-DNA positions 490 to 491, GC inserted.
Protein change: p.Glu164fs; shifts the reading frame from glutamic acid 164.
Molecular consequence: frameshift variant.
Genome position: GRCh38 VCF-style: chr17-50150023-T-TGC. GRCh37 (hg19) VCF-style: chr17-48227386-T-TGC.
Other names: short protein forms E164fs.
Identifiers: ClinVar variation 3034828 (VCV003034828.1), dbSNP rs2509100699, ClinGen allele CA2740093783.